The following is an entry in ClinVar:

NM_018965.4(TREM2):c.145G>T (p.Ala49Ser)

Gene: TREM2 (triggering receptor expressed on myeloid cells 2; minus strand). Cytogenetic location: 6p21.1.
Variant type: single nucleotide variant.
Coding change: c.145G>T on transcript NM_018965.4 (MANE Select); coding-DNA position 145, G replaced by T.
Protein change: p.Ala49Ser; replaces alanine 49 with serine.
Molecular consequence: missense variant.
Genome position (GRCh38, 1-based): chr6:41,161,509, C>A on the plus strand (G>T on the coding strand, the complement: TREM2 is on the minus strand). VCF-style: chr6-41161509-C-A. GRCh37 (hg19) VCF-style: chr6-41129247-C-A.
Other names: c.145G>T, p.Ala49Ser (NM_001271821.2); short protein forms A49S.
Identifiers: ClinVar variation 1909743 (VCV001909743.3), dbSNP rs767357967, ClinGen allele CA3798959.

ClinVar aggregate classification (germline): Uncertain significance (1 of 4 stars; one submission).

Allele frequency attached by ClinVar (database versions not stated): TOPMed 0.00002; gnomAD 0.00004.
gnomAD v4.1: 33 of 1,614,114 alleles (0.002%); highest among the groups gnomAD compares: East Asian, 0.0022%; no homozygotes.

Submission:

Labcorp Genetics (formerly Invitae), Labcorp
Classification: Uncertain significance. Last evaluated: 2023-12-07. Review status: criteria provided, single submitter. Criteria: Invitae Variant Classification Sherloc (09022015). Collection method: clinical testing. Allele origin: germline.
Comment: This sequence change replaces alanine, which is neutral and non-polar, with serine, which is neutral and polar, at codon 49 of the TREM2 protein (p.Ala49Ser). This variant is present in population databases (rs767357967, gnomAD 0.005%). This variant has not been reported in the literature in individuals affected with TREM2-related conditions. ClinVar contains an entry for this variant (Variation ID: 1909743). Algorithms developed to predict the effect of missense changes on protein structure and function output the following: SIFT: "Not Available"; PolyPhen-2: "Possibly Damaging"; Align-GVGD: "Not Available". The serine amino acid residue is found in multiple mammalian species, which suggests that this missense change does not adversely affect protein function. In summary, the available evidence is currently insufficient to determine the role of this variant in disease. Therefore, it has been classified as a Variant of Uncertain Significance.